The following is an entry in ClinVar:

ClinVar aggregate classification (germline): Benign/Likely benign. Review status: criteria provided, multiple submitters, no conflicts (2 of 4 stars). 8 submissions from 8 submitters: Benign (1); Likely benign (7). Last evaluated 2026-01-26.

Conditions:
Hereditary nonpolyposis colorectal neoplasms. Identifiers: MedGen C0009405, MeSH D003123.
Hereditary cancer-predisposing syndrome. Also called: Hereditary neoplastic syndrome; Tumor predisposition; Hereditary Cancer Syndrome; Neoplastic Syndromes, Hereditary. Identifiers: Orphanet 140162, MedGen C0027672, MeSH D009386, MONDO:0015356.
Lynch syndrome. Identifiers: Orphanet 144, MedGen C4552100, MONDO:0005835. Disease mechanism: loss of function.
Lynch syndrome 5 (LYNCH5). Also called: Colorectal cancer, hereditary nonpolyposis, type 5; Hereditary non-polyposis colorectal cancer, type 5. Identifiers: Orphanet 144, MedGen C1833477, MONDO:0013710, OMIM 614350. Disease mechanism: loss of function.

Allele frequency attached by ClinVar (database versions not stated): gnomAD exomes 0.00001 and 0.00002; ExAC 0.00002; gnomAD 0.00005 and 0.00006; TOPMed 0.00005.
gnomAD v4.1: 17 of 1,613,766 alleles (0.0011%); highest among the groups gnomAD compares: African/African-American, 0.02%; no homozygotes.

Submissions (8):

Labcorp Genetics (formerly Invitae), Labcorp
Classification: Likely benign for Hereditary nonpolyposis colorectal neoplasms. Last evaluated: 2026-01-26. Review status: criteria provided, single submitter. Criteria: Invitae Variant Classification Sherloc (09022015). Collection method: clinical testing. Allele origin: germline.

Women's Health and Genetics/Laboratory Corporation of America, LabCorp
Classification: Likely benign. Last evaluated: 2025-12-12. Review status: criteria provided, single submitter. Criteria: LabCorp Variant Classification Summary - May 2015. Collection method: clinical testing. Allele origin: germline.

Myriad Genetics, Inc.
Classification: Benign for Lynch syndrome 5. Last evaluated: 2025-01-08. Review status: criteria provided, single submitter. Criteria: Myriad Autosomal Dominant, Autosomal Recessive and X-Linked Classification Criteria (2023). Collection method: clinical testing. Allele origin: unknown.
Comment: This variant is considered benign. This variant is a silent/synonymous amino acid change and it is not expected to impact splicing.

All of Us Research Program, National Institutes of Health
Classification: Likely benign for Lynch syndrome. Last evaluated: 2024-01-03. Review status: criteria provided, single submitter. Criteria: ACMG Guidelines, 2015. Collection method: clinical testing. Allele origin: germline. Inheritance: Autosomal dominant inheritance. Observed: 2 variant alleles, 2 heterozygotes.
Comment: This study involves interpretation of variants in research participants for the purpose of population health screening. Participant phenotype was not available at the time of variant classification. Additional details can be found in publication PMID: 35346344, PMCID: PMC8962531

Sema4
Classification: Likely benign for Hereditary cancer-predisposing syndrome. Last evaluated: 2021-08-10. Review status: criteria provided, single submitter. Criteria: Sema4 Curation Guidelines. Collection method: curation. Allele origin: germline.

GeneDx
Classification: Likely benign. Last evaluated: 2018-10-17. Review status: criteria provided, single submitter. Criteria: GeneDx Variant Classification Process June 2021. Collection method: clinical testing. Allele origin: germline. Affected: yes.

Color Diagnostics, LLC DBA Color Health
Classification: Likely benign for Hereditary cancer-predisposing syndrome. Last evaluated: 2017-10-24. Review status: criteria provided, single submitter. Criteria: ACMG Guidelines, 2015. Collection method: clinical testing. Allele origin: germline.

Ambry Genetics
Classification: Likely benign for Hereditary cancer-predisposing syndrome. Last evaluated: 2016-02-04. Review status: criteria provided, single submitter. Criteria: Ambry Variant Classification Scheme 2023. Collection method: clinical testing. Allele origin: germline.

NM_000179.3(MSH6):c.3909A>G (p.Ala1303=)

Gene: MSH6 (mutS homolog 6; plus strand). Cytogenetic location: 2p16.3.
Variant type: single nucleotide variant.
Coding change: c.3909A>G on transcript NM_000179.3 (MANE Select); coding-DNA position 3909, A replaced by G.
Protein change: p.Ala1303=; no amino-acid change (alanine 1303 retained).
Molecular consequence: synonymous variant.
Genome position (GRCh38, 1-based): chr2:47,806,559, A>G. VCF-style: chr2-47806559-A-G. GRCh37 (hg19) VCF-style: chr2-48033698-A-G.
Other names: c.3519A>G, p.Ala1173= (NM_001281492.2); c.3003A>G, p.Ala1001= (NM_001281493.2, NM_001281494.2).
Identifiers: ClinVar variation 219571 (VCV000219571.23), dbSNP rs757286252, ClinGen allele CA072284.
Genomic context (GRCh38, chr2:47,806,559, plus strand): 5'-TACGTTCCTCTATAAATTCATTAAGGGAGCTTGTCCTAAAAGCTATGGCTTTAATGCAGC[A>G]AGGCTTGCTAATCTCCCAGAGGAAGTTATTCAAAAGGGACATAGAAAAGCAAGAGAATTT-3'
Protein context (NP_000170.1, residues 1293-1313): ACPKSYGFNA[Ala1303=]RLANLPEEVI